The following is an entry in ClinVar:

NM_001211.6(BUB1B):c.2665A>T (p.Ile889Phe)

Gene: BUB1B (BUB1 mitotic checkpoint serine/threonine kinase B; plus strand). Cytogenetic location: 15q15.1.
Variant type: single nucleotide variant.
Coding change: c.2665A>T on transcript NM_001211.6 (MANE Select); coding-DNA position 2665, A replaced by T.
Protein change: p.Ile889Phe; replaces isoleucine 889 with phenylalanine.
Molecular consequence: missense variant.
Genome position (GRCh38, 1-based): chr15:40,213,461, A>T. VCF-style: chr15-40213461-A-T. GRCh37 (hg19) VCF-style: chr15-40505662-A-T.
Other names: short protein forms I889F.
Identifiers: ClinVar variation 3826062 (VCV003826062.1).
Genomic context (GRCh38, chr15:40,213,461, plus strand): 5'-ATAGTGGAGATGCTACACAAAGCAGAAATAGTCCATGGTGACTTGAGTCCAAGGTGTCTG[A>T]TTCTCAGAAACAGGTTGGTCCTTTTCATTCTTATAATTCTGCCAGCTGTCTCTTAAAACA-3'
Protein context (NP_001202.5, residues 879-899): VHGDLSPRCL[Ile889Phe]LRNRIHDPYD

ClinVar aggregate classification (germline): Uncertain significance (1 of 4 stars; one submission).

Conditions:
Inborn genetic diseases. Identifiers: MedGen C0950123, MeSH D030342.

gnomAD v4.1: 13 of 1,614,160 alleles (0.00081%); highest among the groups gnomAD compares: Non-Finnish European, 0.0011%; no homozygotes.

Submission:

Ambry Genetics
Classification: Uncertain significance for Inborn genetic diseases. Last evaluated: 2025-02-26. Review status: criteria provided, single submitter. Criteria: Ambry Variant Classification Scheme 2023. Collection method: clinical testing. Allele origin: germline.
Comment: The p.I889F variant (also known as c.2665A>T), located in coding exon 20 of the BUB1B gene, results from an A to T substitution at nucleotide position 2665. The isoleucine at codon 889 is replaced by phenylalanine, an amino acid with highly similar properties. This amino acid position is conserved. In addition, this alteration is predicted to be tolerated by in silico analysis. Based on the available evidence, the clinical significance of this variant remains unclear.